The following is an entry in ClinVar:

NM_001378454.1(ALMS1):c.4369G>T (p.Val1457Phe)

Gene: ALMS1 (ALMS1 centrosome and basal body associated protein; plus strand). Cytogenetic location: 2p13.1.
Variant type: single nucleotide variant.
Coding change: c.4369G>T on transcript NM_001378454.1 (MANE Select); coding-DNA position 4369, G replaced by T.
Protein change: p.Val1457Phe; replaces valine 1457 with phenylalanine.
Molecular consequence: missense variant.
Genome position (GRCh38, 1-based): chr2:73,450,896, G>T. VCF-style: chr2-73450896-G-T. GRCh37 (hg19) VCF-style: chr2-73678023-G-T.
Other names: c.4372G>T, p.Val1458Phe (NM_015120.4); short protein forms V1457F, V1458F.
Identifiers: ClinVar variation 1514686 (VCV001514686.6), dbSNP rs373453289, ClinGen allele CA1713698.

ClinVar aggregate classification (germline): Uncertain significance. Review status: criteria provided, multiple submitters, no conflicts (2 of 4 stars). 3 submissions from 3 submitters: Uncertain significance (3). Last evaluated 2022-11-01.

Conditions:
Alstrom syndrome (ALMS). Identifiers: Orphanet 64, MedGen C0268425, MONDO:0008763, OMIM 203800.
Cardiovascular phenotype. Identifiers: MedGen CN230736.

Allele frequency attached by ClinVar (database versions not stated): ESP Exome Variant Server 0.00008.
gnomAD v4.1: 7 of 1,613,850 alleles (0.00043%); highest among the groups gnomAD compares: African/African-American, 0.004%; no homozygotes.

Submissions (3):

Labcorp Genetics (formerly Invitae), Labcorp
Classification: Uncertain significance for Alstrom syndrome. Last evaluated: 2022-11-01. Review status: criteria provided, single submitter. Criteria: Invitae Variant Classification Sherloc (09022015). Collection method: clinical testing. Allele origin: germline.
Comment: This sequence change replaces valine, which is neutral and non-polar, with phenylalanine, which is neutral and non-polar, at codon 1458 of the ALMS1 protein (p.Val1458Phe). This variant is present in population databases (rs373453289, gnomAD 0.007%). This variant has not been reported in the literature in individuals affected with ALMS1-related conditions. ClinVar contains an entry for this variant (Variation ID: 1514686). Experimental studies and prediction algorithms are not available or were not evaluated, and the functional significance of this variant is currently unknown. In summary, the available evidence is currently insufficient to determine the role of this variant in disease. Therefore, it has been classified as a Variant of Uncertain Significance.

Fulgent Genetics
Classification: Uncertain significance for Alstrom syndrome. Last evaluated: 2021-09-30. Review status: criteria provided, single submitter. Criteria: ACMG Guidelines, 2015. Collection method: clinical testing. Allele origin: unknown.

Ambry Genetics
Classification: Uncertain significance for Cardiovascular phenotype. Last evaluated: 2021-05-14. Review status: criteria provided, single submitter. Criteria: Ambry Variant Classification Scheme 2023. Collection method: clinical testing. Allele origin: germline.
Comment: The p.V1458F variant (also known as c.4372G>T), located in coding exon 8 of the ALMS1 gene, results from a G to T substitution at nucleotide position 4372. The valine at codon 1458 is replaced by phenylalanine, an amino acid with highly similar properties. This amino acid position is not well conserved in available vertebrate species. In addition, this alteration is predicted to be tolerated by in silico analysis. Since supporting evidence is limited at this time, the clinical significance of this alteration remains unclear.